The following is an entry in ClinVar:

ClinVar aggregate classification (germline): Uncertain significance. Review status: criteria provided, multiple submitters, no conflicts (2 of 4 stars). 2 submissions from 2 submitters: Uncertain significance (2). Last evaluated 2023-06-30.

Conditions:
DNAH9-related disorder. Also called: DNAH9-related condition.

Allele frequency attached by ClinVar (database versions not stated): gnomAD exomes 0.00001 and 0.00003; ExAC 0.00002; TOPMed 0.00002.
gnomAD v4.1: 7 of 1,614,194 alleles (0.00043%); highest among the groups gnomAD compares: Admixed American, 0.012%; no homozygotes.

Submissions (2):

PreventionGenetics, part of Exact Sciences
Classification: Uncertain significance for DNAH9-related condition. Last evaluated: 2023-06-30. Review status: criteria provided, single submitter. Criteria: ACMG Guidelines, 2015. Collection method: clinical testing. Allele origin: germline.
Comment: The DNAH9 c.10093G>T variant is predicted to result in the amino acid substitution p.Ala3365Ser. To our knowledge, this variant has not been reported in the literature. This variant is reported in 0.023% of alleles in individuals of Latino descent in gnomAD. At this time, the clinical significance of this variant is uncertain due to the absence of conclusive functional and genetic evidence.

Labcorp Genetics (formerly Invitae), Labcorp
Classification: Uncertain significance. Last evaluated: 2021-09-17. Review status: criteria provided, single submitter. Criteria: Invitae Variant Classification Sherloc (09022015). Collection method: clinical testing. Allele origin: germline.
Comment: In summary, the available evidence is currently insufficient to determine the role of this variant in disease. Therefore, it has been classified as a Variant of Uncertain Significance. Algorithms developed to predict the effect of missense changes on protein structure and function (SIFT, PolyPhen-2, Align-GVGD) all suggest that this variant is likely to be tolerated. This sequence change replaces alanine with serine at codon 3365 of the DNAH9 protein (p.Ala3365Ser). The alanine residue is moderately conserved and there is a moderate physicochemical difference between alanine and serine. This variant is present in population databases (rs758809350, ExAC 0.03%). This variant has not been reported in the literature in individuals affected with DNAH9-related conditions.

NM_001372.4(DNAH9):c.10093G>T (p.Ala3365Ser)

Gene: DNAH9 (dynein axonemal heavy chain 9; plus strand). Cytogenetic location: 17p12.
Variant type: single nucleotide variant.
Coding change: c.10093G>T on transcript NM_001372.4 (MANE Select); coding-DNA position 10093, G replaced by T.
Protein change: p.Ala3365Ser; replaces alanine 3365 with serine.
Molecular consequence: missense variant.
Genome position (GRCh38, 1-based): chr17:11,871,637, G>T. VCF-style: chr17-11871637-G-T. GRCh37 (hg19) VCF-style: chr17-11774954-G-T.
Other names: c.10093G>T (NM_001372.3); short protein forms A3365S.
Identifiers: ClinVar variation 1349114 (VCV001349114.5), dbSNP rs758809350, ClinGen allele CA8397414.